The following is an entry in ClinVar:

NM_002764.4(PRPS1):c.402T>G (p.Ile134Met)

Gene: PRPS1 (phosphoribosyl pyrophosphate synthetase 1; plus strand). Cytogenetic location: Xq22.3.
Variant type: single nucleotide variant.
Coding change: c.402T>G on transcript NM_002764.4 (MANE Select); coding-DNA position 402, T replaced by G.
Protein change: p.Ile134Met; replaces isoleucine 134 with methionine.
Molecular consequence: missense variant. On other transcripts: intron variant (1).
Genome position (GRCh38, 1-based): chrX:107,640,997, T>G. VCF-style: chrX-107640997-T-G. GRCh37 (hg19) VCF-style: chrX-106884227-T-G.
Other names: c.-82-4180T>G (NM_001204402.2); short protein forms I134M.
Identifiers: ClinVar variation 3646509 (VCV003646509.2).

ClinVar aggregate classification (germline): Uncertain significance (1 of 4 stars; one submission).

Conditions:
Charcot-Marie-Tooth Neuropathy X. Identifiers: MedGen CN118851.

Submission:

Labcorp Genetics (formerly Invitae), Labcorp
Classification: Uncertain significance for Charcot-Marie-Tooth Neuropathy X. Last evaluated: 2024-03-17. Review status: criteria provided, single submitter. Criteria: Invitae Variant Classification Sherloc (09022015). Collection method: clinical testing. Allele origin: germline.
Comment: This sequence change replaces isoleucine, which is neutral and non-polar, with methionine, which is neutral and non-polar, at codon 134 of the PRPS1 protein (p.Ile134Met). This variant is not present in population databases (gnomAD no frequency). This variant has not been reported in the literature in individuals affected with PRPS1-related conditions. Advanced modeling of protein sequence and biophysical properties (such as structural, functional, and spatial information, amino acid conservation, physicochemical variation, residue mobility, and thermodynamic stability) performed at Invitae indicates that this missense variant is not expected to disrupt PRPS1 protein function with a negative predictive value of 80%. In summary, the available evidence is currently insufficient to determine the role of this variant in disease. Therefore, it has been classified as a Variant of Uncertain Significance.